The following is an entry in ClinVar:

ClinVar aggregate classification (germline): Uncertain significance (1 of 4 stars; one submission).

Submission:

GeneDx
Classification: Uncertain significance. Last evaluated: 2024-05-21. Review status: criteria provided, single submitter. Criteria: GeneDx Variant Classification Process June 2021. Collection method: clinical testing. Allele origin: germline. Affected: yes.
Comment: Not observed at significant frequency in large population cohorts (gnomAD); In silico analysis supports that this missense variant has a deleterious effect on protein structure/function; Has not been previously published as pathogenic or benign to our knowledge

NM_001372106.1(DNAH10):c.9185G>T (p.Cys3062Phe)

Gene: DNAH10 (dynein axonemal heavy chain 10; plus strand). Cytogenetic location: 12q24.31.
Variant type: single nucleotide variant.
Coding change: c.9185G>T on transcript NM_001372106.1 (MANE Select); coding-DNA position 9185, G replaced by T.
Protein change: p.Cys3062Phe; replaces cysteine 3062 with phenylalanine.
Molecular consequence: missense variant.
Genome position (GRCh38, 1-based): chr12:123,893,422, G>T. VCF-style: chr12-123893422-G-T. GRCh37 (hg19) VCF-style: chr12-124377969-G-T.
Other names: c.8831G>T, p.Cys2944Phe (NM_207437.3); short protein forms C2944F, C3062F.
Identifiers: ClinVar variation 3381375 (VCV003381375.1).